The following is an entry in ClinVar:

ClinVar aggregate classification (germline): Pathogenic (1 of 4 stars; one submission).

Conditions:
Hereditary cancer-predisposing syndrome. Also called: Tumor predisposition; Hereditary Cancer Syndrome; Neoplastic Syndromes, Hereditary; Hereditary neoplastic syndrome. Identifiers: Orphanet 140162, MedGen C0027672, MeSH D009386, MONDO:0015356.

Submission:

Color Diagnostics, LLC DBA Color Health
Classification: Pathogenic for Hereditary cancer-predisposing syndrome. Last evaluated: 2025-10-30. Review status: criteria provided, single submitter. Criteria: ACMG Guidelines, 2015. Collection method: clinical testing. Allele origin: germline.
Comment: This variant changes 1 nucleotide in exon 16 of the ATM gene, creating a premature translation stop signal. This variant is expected to result in an absent or non-functional protein product. To our knowledge, this variant has not been reported in individuals affected with ATM-related disorders in the literature. This variant has not been identified in the general population by the Genome Aggregation Database (gnomAD). Loss of ATM function is a known mechanism of disease. Based on the available evidence, this variant is classified as Pathogenic.

NM_000051.4(ATM):c.2426_2428del (p.Ser809_Lys810delinsTer)

Gene: ATM (ATM serine/threonine kinase; plus strand). Cytogenetic location: 11q22.3.
Variant type: Deletion.
Coding change: c.2426_2428del on transcript NM_000051.4 (MANE Select); coding-DNA positions 2426 to 2428, 3 bases deleted (CAA; older notation c.2426_2428delCAA).
Protein change: p.Ser809_Lys810delinsTer.
Molecular consequence: nonsense.
Genome position (GRCh38, 1-based): chr11:108,259,035-108,259,037, CAA deleted. VCF-style (leftmost placement, unchanged base first): chr11-108259034-TCAA-T. GRCh37 (hg19) VCF-style: chr11-108129761-TCAA-T.
Other names: c.2426_2428del, p.Ser809_Lys810delinsTer (NM_001351834.2).
Identifiers: ClinVar variation 4758221 (VCV004758221.1).